The following is an entry in ClinVar:

NM_000038.6(APC):c.2216A>T (p.Asp739Val)

Gene: APC (APC regulator of Wnt signaling pathway; plus strand). Cytogenetic location: 5q22.2.
Variant type: single nucleotide variant.
Coding change: c.2216A>T on transcript NM_000038.6 (MANE Select); coding-DNA position 2216, A replaced by T.
Protein change: p.Asp739Val; replaces aspartic acid 739 with valine.
Molecular consequence: missense variant. On other transcripts: non-coding transcript variant (2).
Genome position (GRCh38, 1-based): chr5:112,837,810, A>T. VCF-style: chr5-112837810-A-T. GRCh37 (hg19) VCF-style: chr5-112173507-A-T.
Other names: c.2216A>T, p.Asp739Val (NM_001127510.3, NM_001354895.2, NM_001407450.1); c.2162A>T, p.Asp721Val (NM_001127511.3); c.2270A>T, p.Asp757Val (NM_001354896.2, NM_001407447.1, NM_001407448.1 and 1 more transcripts); c.2246A>T, p.Asp749Val (NM_001354897.2); c.2141A>T, p.Asp714Val (NM_001354898.2); c.2132A>T, p.Asp711Val (NM_001354899.2); c.2093A>T, p.Asp698Val (NM_001354900.2); c.2039A>T, p.Asp680Val (NM_001354901.2, NM_001407453.1); and 11 more; short protein forms D613V, D638V, D698V, D648V, D711V, D739V, D757V, D767V.
Identifiers: ClinVar variation 3411705 (VCV003411705.2).

ClinVar aggregate classification (germline): Uncertain significance. Review status: criteria provided, multiple submitters, no conflicts (2 of 4 stars). 2 submissions from 2 submitters: Uncertain significance (2). Last evaluated 2025-11-10.

Conditions:
Familial adenomatous polyposis 1 (FAP1). Also called: FAMILIAL ADENOMATOUS POLYPOSIS 1, ATTENUATED; POLYPOSIS, ADENOMATOUS INTESTINAL. Identifiers: MedGen C2713442, MONDO:0021056, OMIM 175100. Disease mechanism: loss of function.
Hereditary cancer-predisposing syndrome. Also called: Neoplastic Syndromes, Hereditary; Tumor predisposition; Hereditary Cancer Syndrome; Hereditary neoplastic syndrome. Identifiers: Orphanet 140162, MedGen C0027672, MeSH D009386, MONDO:0015356.

Submissions (2):

Labcorp Genetics (formerly Invitae), Labcorp
Classification: Uncertain significance for Familial adenomatous polyposis 1. Last evaluated: 2025-11-10. Review status: criteria provided, single submitter. Criteria: Invitae Variant Classification Sherloc (09022015). Collection method: clinical testing. Allele origin: germline.
Comment: This sequence change replaces aspartic acid, which is acidic and polar, with valine, which is neutral and non-polar, at codon 739 of the APC protein (p.Asp739Val). This variant is not present in population databases (gnomAD no frequency). This variant has not been reported in the literature in individuals affected with APC-related conditions. ClinVar contains an entry for this variant (Variation ID: 3411705). Invitae Evidence Modeling of protein sequence and biophysical properties (such as structural, functional, and spatial information, amino acid conservation, physicochemical variation, residue mobility, and thermodynamic stability) indicates that this missense variant is not expected to disrupt APC protein function with a negative predictive value of 95%. In summary, the available evidence is currently insufficient to determine the role of this variant in disease. Therefore, it has been classified as a Variant of Uncertain Significance.

Ambry Genetics
Classification: Uncertain significance for Hereditary cancer-predisposing syndrome. Last evaluated: 2024-10-14. Review status: criteria provided, single submitter. Criteria: Ambry Variant Classification Scheme 2023. Collection method: clinical testing. Allele origin: germline.
Comment: The p.D739V variant (also known as c.2216A>T), located in coding exon 15 of the APC gene, results from an A to T substitution at nucleotide position 2216. The aspartic acid at codon 739 is replaced by valine, an amino acid with highly dissimilar properties. This amino acid position is conserved. In addition, in silico predictors for this gene do not accurately predict pathogenicity. Based on the available evidence, the clinical significance of this variant remains unclear.